The following is an entry in ClinVar:

NM_001165963.4(SCN1A):c.144C>T (p.Gly48=)

Gene: SCN1A (sodium voltage-gated channel alpha subunit 1; minus strand). Cytogenetic location: 2q24.3.
Variant type: single nucleotide variant.
Coding change: c.144C>T on transcript NM_001165963.4 (MANE Select); coding-DNA position 144, C replaced by T.
Protein change: p.Gly48=; no amino-acid change (glycine 48 retained).
Molecular consequence: synonymous variant. On other transcripts: 5 prime UTR variant (1), non-coding transcript variant (1).
Genome position (GRCh38, 1-based): chr2:166,073,478, G>A on the plus strand (C>T on the coding strand, the complement: SCN1A is on the minus strand). VCF-style: chr2-166073478-G-A. GRCh37 (hg19) VCF-style: chr2-166929988-G-A.
Other names: c.144C>T, p.Gly48= (NM_001165964.3, NM_001202435.3, NM_001353948.2 and 10 more transcripts); c.-2282C>T (NM_001353961.2).
Identifiers: ClinVar variation 286971 (VCV000286971.61), dbSNP rs886043534, ClinGen allele CA10605629.

ClinVar aggregate classification (germline): Conflicting classifications of pathogenicity. Review status: criteria provided, conflicting classifications (1 of 4 stars). 5 submissions from 5 submitters: Uncertain significance (1); Likely benign (4). Last evaluated 2024-01-30.

Conditions:
Early-infantile DEE. Also called: Early infantile epileptic encephalopathy with suppression bursts; Early infantile epileptic encephalopathy; Ohtahara syndrome. Identifiers: Orphanet 1934, MedGen C0393706, MONDO:0800491.
Inborn genetic diseases. Identifiers: MedGen C0950123, MeSH D030342.

Allele frequency attached by ClinVar (database versions not stated): TOPMed 0.00001; gnomAD 0.00003.
gnomAD v4.1: 29 of 1,614,140 alleles (0.0018%); highest among the groups gnomAD compares: Middle Eastern, 0.016%; no homozygotes.

Submissions (5):

Labcorp Genetics (formerly Invitae), Labcorp
Classification: Likely benign for Early-infantile DEE. Last evaluated: 2024-01-30. Review status: criteria provided, single submitter. Criteria: Invitae Variant Classification Sherloc (09022015). Collection method: clinical testing. Allele origin: germline.

CeGaT Center for Human Genetics Tuebingen
Classification: Likely benign. Last evaluated: 2022-03-01. Review status: criteria provided, single submitter. Criteria: CeGaT Center For Human Genetics Tuebingen Variant Classification Criteria Version 2. Collection method: clinical testing. Allele origin: germline. Affected: yes. Observed: 2 variant alleles.
Comment: SCN1A: BP4, BP7

GeneDx
Classification: Likely benign. Last evaluated: 2021-05-08. Review status: criteria provided, single submitter. Criteria: GeneDx Variant Classification Process June 2021. Collection method: clinical testing. Allele origin: germline. Affected: yes.

Ambry Genetics
Classification: Likely benign for Inborn genetic diseases. Last evaluated: 2019-01-14. Review status: criteria provided, single submitter. Criteria: Ambry Variant Classification Scheme 2023. Collection method: clinical testing. Allele origin: germline.

Eurofins Ntd Llc (ga)
Classification: Uncertain significance. Last evaluated: 2016-03-31. Review status: criteria provided, single submitter. Criteria: EGL Classification Definitions 2015. Collection method: clinical testing. Allele origin: germline. Observed: 2 variant alleles, 2 heterozygotes.